The following is an entry in ClinVar:

NM_000517.4(HBA2):c.272A>G (p.Lys91Arg)

Genes: HBA2 (hemoglobin subunit alpha 2; plus strand), LOC106804612 (hemoglobin subunit alpha 2 recombination region; plus strand). Cytogenetic location: 16p13.3.
Variant type: single nucleotide variant.
Coding change: c.272A>G on transcript NM_000517.4; coding-DNA position 272, A replaced by G.
Protein change: p.Lys91Arg; replaces lysine 91 with arginine.
Molecular consequence: missense variant (on NM_000517.6).
Genome position (GRCh38, 1-based): chr16:173,301, A>G. VCF-style: chr16-173301-A-G. GRCh37 (hg19) VCF-style: chr16-223300-A-G.
Other names: K90R; c.272A>G, p.Lys91Arg (NM_000517.6); short protein forms K91R.
Identifiers: ClinVar variation 15649 (VCV000015649.3), dbSNP rs281864873, ClinGen allele CA125589.

ClinVar aggregate classification (germline): Uncertain significance. Review status: criteria provided, single submitter (1 of 4 stars). 2 submissions from 2 submitters: Uncertain significance (1). 1 of the submissions does not count toward it. Last evaluated 2025-01-21.

Conditions:
HEMOGLOBIN CLINICO-MADRID.

Allele frequency attached by ClinVar (database versions not stated): TOPMed below 0.00001; gnomAD exomes 0.00001.

Submissions (2):

Women's Health and Genetics/Laboratory Corporation of America, LabCorp
Classification: Uncertain significance. Last evaluated: 2025-01-21. Review status: criteria provided, single submitter. Criteria: LabCorp Variant Classification Summary - May 2015. Collection method: clinical testing. Allele origin: germline.
Comment: Variant summary: HBA2 c.272A>G (p.Lys91Arg) results in a conservative amino acid change located in the hemoglobin, alpha-type domain (IPR002338) of the encoded protein sequence. Three of five in-silico tools predict a benign effect of the variant on protein function. The variant allele was found at a frequency of 1.2e-05 in 164382 control chromosomes. The available data on variant occurrences in the general population are insufficient to allow any conclusion about variant significance. c.272A>G has been reported in the literature in an individual showing no clinical abnormalities of Alpha Thalassemia (Villegas_2000). This report does not provide unequivocal conclusions about association of the variant with Alpha Thalassemia. To our knowledge, no experimental evidence demonstrating an impact on protein function has been reported. The following publication have been ascertained in the context of this evaluation (PMID: 11186266). ClinVar contains an entry for this variant (Variation ID: 15649). Based on the evidence outlined above, the variant was classified as uncertain significance.

OMIM
Classification: other for HEMOGLOBIN CLINICO-MADRID. Last evaluated: 2013-03-28. Review status: no assertion criteria provided. Collection method: literature only. Allele origin: germline. Not counted in ClinVar's aggregate classification.

Literature cited by the submitters: PubMed 11186266 (cited by Women's Health and Genetics/Laboratory Corporation of America, LabCorp and OMIM).